The following is an entry in ClinVar:

ClinVar aggregate classification (germline): Uncertain significance (1 of 4 stars; one submission).

Submission:

Labcorp Genetics (formerly Invitae), Labcorp
Classification: Uncertain significance. Last evaluated: 2023-09-04. Review status: criteria provided, single submitter. Criteria: Invitae Variant Classification Sherloc (09022015). Collection method: clinical testing. Allele origin: germline.
Comment: In summary, the available evidence is currently insufficient to determine the role of this variant in disease. Therefore, it has been classified as a Variant of Uncertain Significance. An algorithm developed to predict the effect of missense changes on protein structure and function (PolyPhen-2) suggests that this variant is likely to be disruptive. This variant has not been reported in the literature in individuals affected with ALPK3-related conditions. This variant is not present in population databases (gnomAD no frequency). This sequence change replaces serine, which is neutral and polar, with proline, which is neutral and non-polar, at codon 1812 of the ALPK3 protein (p.Ser1812Pro).

NM_020778.5(ALPK3):c.4828T>C (p.Ser1610Pro)

Gene: ALPK3 (alpha kinase 3; plus strand). Cytogenetic location: 15q25.3.
Variant type: single nucleotide variant.
Coding change: c.4828T>C on transcript NM_020778.5 (MANE Select); coding-DNA position 4828, T replaced by C.
Protein change: p.Ser1610Pro; replaces serine 1610 with proline.
Molecular consequence: missense variant.
Genome position (GRCh38, 1-based): chr15:84,868,166, T>C. VCF-style: chr15-84868166-T-C. GRCh37 (hg19) VCF-style: chr15-85411397-T-C.
Other names: short protein forms S1610P.
Identifiers: ClinVar variation 2757967 (VCV002757967.3), dbSNP rs2505733305, ClinGen allele CA393365637.